The following is an entry in ClinVar:

ClinVar aggregate classification (germline): Benign. Review status: criteria provided, multiple submitters, no conflicts (2 of 4 stars). 4 submissions from 4 submitters: Benign (4). Last evaluated 2026-05-11.

Conditions:
Iodotyrosyl coupling defect (TDH3). Also called: HYPOTHYROIDISM, CONGENITAL, DUE TO DYSHORMONOGENESIS, 3; THYROID HORMONOGENESIS, GENETIC DEFECT IN, 3. Identifiers: Orphanet 95716, MedGen C0342194, MONDO:0010135, OMIM 274700.

Allele frequency attached by ClinVar (database versions not stated): gnomAD 0.04932 and 0.05269; TOPMed 0.05539; ESP Exome Variant Server 0.05744; gnomAD exomes 0.01461 and 0.00675; 1000 Genomes Project 30x 0.05981; ExAC 0.01817; 1000 Genomes Project 0.05711.
gnomAD v4.1: 17,771 of 1,613,340 alleles (1.1%); highest among the groups gnomAD compares: African/African-American, 16%; 1,023 homozygotes.

Submissions (15):

Women's Health and Genetics/Laboratory Corporation of America, LabCorp
Classification: Benign. Last evaluated: 2026-05-11. Review status: criteria provided, single submitter. Criteria: LabCorp Variant Classification Summary - May 2015. Collection method: clinical testing. Allele origin: germline.

Labcorp Genetics (formerly Invitae), Labcorp
Classification: Benign. Last evaluated: 2026-02-01. Review status: criteria provided, single submitter. Criteria: Invitae Variant Classification Sherloc (09022015). Collection method: clinical testing. Allele origin: germline.

Illumina Laboratory Services, Illumina
Classification: Benign for Iodotyrosyl coupling defect. Last evaluated: 2018-01-12. Review status: criteria provided, single submitter. Criteria: ICSL Variant Classification Criteria 13 December 2019. Collection method: clinical testing. Allele origin: germline.
Comment: This variant was observed in the ICSL laboratory as part of a predisposition screen in an ostensibly healthy population. It had not been previously curated by ICSL or reported in the Human Gene Mutation Database (HGMD: prior to June 1st, 2018), and was therefore a candidate for classification through an automated scoring system. Utilizing variant allele frequency, disease prevalence and penetrance estimates, and inheritance mode, an automated score was calculated to assess if this variant is too frequent to cause the disease. Based on the score and internal cut-off values, a variant classified as benign is not then subjected to further curation. The score for this variant resulted in a classification of benign for this disease.

Breakthrough Genomics
Classification: Benign. Review status: criteria provided, single submitter. Criteria: ACMG Guidelines, 2015. Collection method: not provided. Allele origin: germline. Inheritance: Autosomal recessive inheritance. Affected: yes.

Dr. Peter K. Rogan Lab, Western University
No classification provided (evidence only). Condition: Thyroid cancer, nonmedullary, 1. Review status: no classification provided. Collection method: in vitro. Allele origin: not applicable. Functional consequence: retained intron. Not counted in ClinVar's aggregate classification.

Dr. Peter K. Rogan Lab, Western University
No classification provided (evidence only). Condition: Thyroid cancer, nonmedullary, 1. Review status: no classification provided. Collection method: in vitro. Allele origin: not applicable. Functional consequence: retained intron. Not counted in ClinVar's aggregate classification.

Dr. Peter K. Rogan Lab, Western University
No classification provided (evidence only). Condition: Thyroid cancer, nonmedullary, 1. Review status: no classification provided. Collection method: in vitro. Allele origin: not applicable. Functional consequence: retained intron. Not counted in ClinVar's aggregate classification.

Dr. Peter K. Rogan Lab, Western University
No classification provided (evidence only). Condition: Thyroid cancer, nonmedullary, 1. Review status: no classification provided. Collection method: in vitro. Allele origin: not applicable. Functional consequence: retained intron. Not counted in ClinVar's aggregate classification.

Dr. Peter K. Rogan Lab, Western University
No classification provided (evidence only). Condition: Thyroid cancer, nonmedullary, 1. Review status: no classification provided. Collection method: in vitro. Allele origin: not applicable. Functional consequence: retained intron. Not counted in ClinVar's aggregate classification.

Dr. Peter K. Rogan Lab, Western University
No classification provided (evidence only). Condition: Thyroid cancer, nonmedullary, 1. Review status: no classification provided. Collection method: in vitro. Allele origin: not applicable. Functional consequence: retained intron. Not counted in ClinVar's aggregate classification.

Dr. Peter K. Rogan Lab, Western University
No classification provided (evidence only). Condition: Thyroid cancer, nonmedullary, 1. Review status: no classification provided. Collection method: in vitro. Allele origin: not applicable. Functional consequence: retained intron. Not counted in ClinVar's aggregate classification.

Dr. Peter K. Rogan Lab, Western University
No classification provided (evidence only). Condition: Thyroid cancer, nonmedullary, 1. Review status: no classification provided. Collection method: in vitro. Allele origin: not applicable. Functional consequence: retained intron. Not counted in ClinVar's aggregate classification.

Dr. Peter K. Rogan Lab, Western University
No classification provided (evidence only). Condition: Thyroid cancer, nonmedullary, 1. Review status: no classification provided. Collection method: in vitro. Allele origin: not applicable. Functional consequence: skipped exon, retained intron. Not counted in ClinVar's aggregate classification.

Dr. Peter K. Rogan Lab, Western University
No classification provided (evidence only). Condition: Sarcoma. Review status: no classification provided. Collection method: in vitro. Allele origin: not applicable. Functional consequence: retained intron. Not counted in ClinVar's aggregate classification.

Dr. Peter K. Rogan Lab, Western University
No classification provided (evidence only). Condition: Ovarian serous cystadenocarcinoma. Review status: no classification provided. Collection method: in vitro. Allele origin: not applicable. Functional consequence: retained intron. Not counted in ClinVar's aggregate classification.

NM_003235.5(TG):c.5862A>G (p.Lys1954=)

Gene: TG (thyroglobulin; plus strand). Cytogenetic location: 8q24.22.
Variant type: single nucleotide variant.
Coding change: c.5862A>G on transcript NM_003235.5 (MANE Select); coding-DNA position 5862, A replaced by G.
Protein change: p.Lys1954=; no amino-acid change (lysine 1954 retained).
Molecular consequence: synonymous variant.
Genome position (GRCh38, 1-based): chr8:132,967,969, A>G. VCF-style: chr8-132967969-A-G. GRCh37 (hg19) VCF-style: chr8-133980214-A-G.
Identifiers: ClinVar variation 361979 (VCV000361979.11), dbSNP rs16904799, ClinGen allele CA4884642.